The following is an entry in ClinVar:

ClinVar aggregate classification (germline): Likely benign. Review status: criteria provided, multiple submitters, no conflicts (2 of 4 stars). 5 submissions from 5 submitters: Likely benign (5). Last evaluated 2025-08-11.

Conditions:
Primary ciliary dyskinesia. Also called: Ciliary dyskinesia. Identifiers: Orphanet 244, MedGen C0008780, MONDO:0016575, HP:0012265.

Allele frequency attached by ClinVar (database versions not stated): ESP Exome Variant Server 0.00023; gnomAD exomes 0.00023 and 0.00035; ExAC 0.00043; 1000 Genomes Project 0.00060; 1000 Genomes Project 30x 0.00078; gnomAD 0.00014 and 0.00018; TOPMed 0.00015.

Submissions (5):

Labcorp Genetics (formerly Invitae), Labcorp
Classification: Likely benign for Primary ciliary dyskinesia. Last evaluated: 2025-08-11. Review status: criteria provided, single submitter. Criteria: Invitae Variant Classification Sherloc (09022015). Collection method: clinical testing. Allele origin: germline.

Mayo Clinic Laboratories, Mayo Clinic
Classification: Likely benign. Last evaluated: 2024-12-18. Review status: criteria provided, single submitter. Criteria: ACMG Guidelines, 2015. Collection method: clinical testing. Allele origin: germline. Observed: 2 variant alleles.
Comment: BP4, BP7

Blueprint Genetics
Classification: Likely benign. Last evaluated: 2024-10-22. Review status: criteria provided, single submitter. Criteria: ACMG Guidelines, 2015. Collection method: clinical testing. Allele origin: germline.

CeGaT Center for Human Genetics Tuebingen
Classification: Likely benign. Last evaluated: 2024-10-01. Review status: criteria provided, single submitter. Criteria: CeGaT Center For Human Genetics Tuebingen Variant Classification Criteria Version 2. Collection method: clinical testing. Allele origin: germline. Affected: yes. Observed: 1 variant allele.
Comment: DRC1: BP4, BP7

Breakthrough Genomics
Classification: Likely benign. Review status: criteria provided, single submitter. Criteria: ACMG Guidelines, 2015. Collection method: not provided. Allele origin: germline. Inheritance: Autosomal recessive inheritance. Affected: yes.

NM_145038.5(DRC1):c.675T>C (p.Ile225=)

Gene: DRC1 (dynein regulatory complex subunit 1; plus strand). Cytogenetic location: 2p23.3.
Variant type: single nucleotide variant.
Coding change: c.675T>C on transcript NM_145038.5 (MANE Select); coding-DNA position 675, T replaced by C.
Protein change: p.Ile225=; no amino-acid change (isoleucine 225 retained).
Molecular consequence: synonymous variant.
Genome position (GRCh38, 1-based): chr2:26,429,762, T>C. VCF-style: chr2-26429762-T-C. GRCh37 (hg19) VCF-style: chr2-26652630-T-C.
Other names: p.Ile225=.
Identifiers: ClinVar variation 414291 (VCV000414291.26), dbSNP rs149032953, ClinGen allele CA1561926.